The following is an entry in ClinVar:

NM_001366521.1(ATP2B1):c.376_379del (p.Phe126fs)

Gene: ATP2B1 (ATPase plasma membrane Ca2+ transporting 1; minus strand). Cytogenetic location: 12q21.33.
Variant type: Deletion.
Coding change: c.376_379del on transcript NM_001366521.1 (MANE Select); coding-DNA positions 376 to 379, 4 bases deleted (TTTT; older notation c.376_379delTTTT).
Protein change: p.Phe126fs; shifts the reading frame from phenylalanine 126.
Molecular consequence: frameshift variant. On other transcripts: non-coding transcript variant (3), intron variant (3).
Genome position (GRCh38, 1-based): chr12:89,642,185-89,642,188, AAAA deleted on the plus strand (TTTT on the coding strand, the reverse complement: ATP2B1 is on the minus strand); deleting any 4 consecutive bases within chr12:89,642,185-89,642,189 gives the same sequence; the c. name uses the placement nearest the transcript's 3' end. VCF-style (leftmost placement, unchanged base first): chr12-89642184-TAAAA-T. GRCh37 (hg19) VCF-style: chr12-90035961-TAAAA-T.
Other names: c.376_379del, p.Phe126fs (NM_001001323.2, NM_001366520.1, NM_001366522.1 and 23 more transcripts); c.209-6937_209-6934del (NM_001413053.1, NM_001366530.1); c.209-7285_209-7282del (NM_001413057.1); short protein forms F126fs.
Identifiers: ClinVar variation 4855165 (VCV004855165.1).
Genomic context (GRCh38, chr12:89,642,184, plus strand): 5'-ATCAGACATGTCTTTTTTCCCCCCATTTACTTACGTGCATTATCCCCTTCTGGAGGCTGA[TAAAA>T]AGAAAGGCCCAATGATACTATGGCTGCAATTTCTAATATAATTAAAGTGACATCTTGTAA-3'

ClinVar aggregate classification (germline): Likely pathogenic (1 of 4 stars; one submission).

Conditions:
Intellectual developmental disorder, autosomal dominant 66. Also called: MENTAL RETARDATION, AUTOSOMAL DOMINANT 66. Identifiers: MedGen C5677000, MONDO:0030891, OMIM 619910.

Submission:

3billion
Classification: Likely pathogenic for Intellectual developmental disorder, autosomal dominant 66. Last evaluated: 2025-06-10. Review status: criteria provided, single submitter. Criteria: ACMG Guidelines, 2015. Collection method: clinical testing. Allele origin: germline. Affected: yes.
Comment: The variant is not observed in the gnomAD v4.1.0 dataset. Predicted Consequence/Location: Frameshift: predicted to result in a loss or disruption of normal protein function through nonsense-mediated decay (NMD) or protein truncation. Multiple pathogenic variants are reported downstream of the variant. Therefore, this variant is classified as Likely pathogenic according to the recommendation of ACMG/AMP guideline.